The following is an entry in ClinVar:

ClinVar aggregate classification (germline): Conflicting classifications of pathogenicity. Review status: criteria provided, conflicting classifications (1 of 4 stars). 7 submissions from 7 submitters: Uncertain significance (6); Likely benign (1). Last evaluated 2026-02-27.

Conditions:
Charcot-Marie-Tooth disease recessive intermediate D. Identifiers: Orphanet 435998, MedGen C5569027, MONDO:0014467, OMIM 616039.
COX6A1-related disorder. Also called: COX6A1-related condition.

Allele frequency attached by ClinVar (database versions not stated): gnomAD 0.00046; gnomAD exomes 0.00063 and 0.00069; ExAC 0.00081; 1000 Genomes Project 30x 0.00016; 1000 Genomes Project 0.00020; ESP Exome Variant Server 0.00023; TOPMed 0.00033.
gnomAD v4.1: 978 of 1,614,190 alleles (0.061%); highest among the groups gnomAD compares: South Asian, 0.12%; 1 homozygote.

Submissions (7):

PreventionGenetics, part of Exact Sciences
Classification: Uncertain significance for COX6A1-related condition. Last evaluated: 2026-02-27. Review status: criteria provided, single submitter. Criteria: ACMG Guidelines, 2015. Collection method: clinical testing. Allele origin: germline.
Comment: The COX6A1 c.160A>G variant is predicted to result in the amino acid substitution p.Met54Val. To our knowledge, this variant has not been reported in the literature. This variant is reported in 0.12% of alleles in individuals of South Asian descent in gnomAD. Although we suspect that this variant may be benign, at this time, the clinical significance of this variant is uncertain due to the absence of conclusive functional and genetic evidence.

Labcorp Genetics (formerly Invitae), Labcorp
Classification: Uncertain significance. Last evaluated: 2026-01-05. Review status: criteria provided, single submitter. Criteria: Invitae Variant Classification Sherloc (09022015). Collection method: clinical testing. Allele origin: germline.
Comment: This sequence change replaces methionine, which is neutral and non-polar, with valine, which is neutral and non-polar, at codon 54 of the COX6A1 protein (p.Met54Val). This variant is present in population databases (rs141919390, gnomAD 0.1%), and has an allele count higher than expected for a pathogenic variant. This variant has not been reported in the literature in individuals affected with COX6A1-related conditions. ClinVar contains an entry for this variant (Variation ID: 1410560). An algorithm developed to predict the effect of missense changes on protein structure and function (PolyPhen-2) suggests that this variant is likely to be disruptive. In summary, the available evidence is currently insufficient to determine the role of this variant in disease. Therefore, it has been classified as a Variant of Uncertain Significance.

Mayo Clinic Laboratories, Mayo Clinic
Classification: Uncertain significance. Last evaluated: 2025-07-11. Review status: criteria provided, single submitter. Criteria: ACMG Guidelines, 2015. Collection method: clinical testing. Allele origin: germline. Observed: 3 variant alleles.
Comment: BP4

Women's Health and Genetics/Laboratory Corporation of America, LabCorp
Classification: Likely benign. Last evaluated: 2025-05-05. Review status: criteria provided, single submitter. Criteria: LabCorp Variant Classification Summary - May 2015. Collection method: clinical testing. Allele origin: germline.
Comment: Variant summary: COX6A1 c.160A>G (p.Met54Val) results in a conservative amino acid change in the encoded protein sequence. Algorithms developed to predict the effect of missense changes on protein structure and function are either unavailable or do not agree on the potential impact of this missense change. The variant allele was found at a frequency of 0.00069 in 251414 control chromosomes, predominantly at a frequency of 0.0012 within the South Asian subpopulation in the gnomAD database, including 1 homozygote. The observed variant frequency within South Asian control individuals in the gnomAD database is approximately 1.1 fold of the estimated maximal expected allele frequency for a pathogenic variant in COX6A1 causing Charcot-Marie-Tooth disease recessive intermediate D phenotype (0.0011). To our knowledge, no occurrence of c.160A>G in individuals affected with Charcot-Marie-Tooth disease recessive intermediate D and no experimental evidence demonstrating its impact on protein function have been reported. ClinVar contains an entry for this variant (Variation ID: 1410560). Based on the evidence outlined above, the variant was classified as likely benign.

Baylor Genetics
Classification: Uncertain significance for Charcot-Marie-Tooth disease recessive intermediate D. Last evaluated: 2023-03-29. Review status: criteria provided, single submitter. Criteria: ACMG Guidelines, 2015. Collection method: clinical testing. Allele origin: unknown.

CeGaT Center for Human Genetics Tuebingen
Classification: Uncertain significance. Last evaluated: 2022-04-01. Review status: criteria provided, single submitter. Criteria: CeGaT Center For Human Genetics Tuebingen Variant Classification Criteria Version 2. Collection method: clinical testing. Allele origin: germline. Affected: yes. Observed: 1 variant allele.

Ambry Genetics
Classification: Uncertain significance. Last evaluated: 2021-07-09. Review status: criteria provided, single submitter. Criteria: Ambry Variant Classification Scheme 2023. Collection method: clinical testing. Allele origin: germline.

NM_004373.4(COX6A1):c.160A>G (p.Met54Val)

Gene: COX6A1 (cytochrome c oxidase subunit 6A1; plus strand). Cytogenetic location: 12q24.31.
Variant type: single nucleotide variant.
Coding change: c.160A>G on transcript NM_004373.4 (MANE Select); coding-DNA position 160, A replaced by G.
Protein change: p.Met54Val; replaces methionine 54 with valine.
Molecular consequence: missense variant.
Genome position (GRCh38, 1-based): chr12:120,438,435, A>G. VCF-style: chr12-120438435-A-G. GRCh37 (hg19) VCF-style: chr12-120876238-A-G.
Other names: p.Met54Val; c.160A>G (NM_004373.2, NM_004373.3); short protein forms M54V.
Identifiers: ClinVar variation 1410560 (VCV001410560.38), dbSNP rs61739965, ClinGen allele CA6828019.